The following is an entry in ClinVar:

ClinVar aggregate classification (germline): Benign. Review status: criteria provided, multiple submitters, no conflicts (2 of 4 stars). 4 submissions from 4 submitters: Benign (3). 1 of the submissions does not count toward it. Last evaluated 2026-02-02.

Conditions:
Autosomal recessive congenital ichthyosis 1 (LI1). Also called: ICHTHYOSIS, CONGENITAL, AUTOSOMAL RECESSIVE 1, WITH OR WITHOUT BATHING SUIT DISTRIBUTION; ICHTHYOSIS, CONGENITAL, AUTOSOMAL RECESSIVE 1, WITH BATHING SUIT DISTRIBUTION; COLLODION FETUS; DESQUAMATION OF NEWBORN; ICHTHYOSIS CONGENITA; ICHTHYOSIS CONGENITA II. Identifiers: MedGen C4551630, MONDO:0009441, OMIM 242300.

Allele frequency attached by ClinVar (database versions not stated): gnomAD exomes 0.00045 and 0.00119; gnomAD 0.00046 and 0.00075; TOPMed 0.00087; ExAC 0.00139; 1000 Genomes Project 30x 0.00265; 1000 Genomes Project 0.00339.
gnomAD v4.1: 783 of 1,613,898 alleles (0.049%); highest among the groups gnomAD compares: East Asian, 1.5%; 7 homozygotes.

Submissions (4):

Labcorp Genetics (formerly Invitae), Labcorp
Classification: Benign. Last evaluated: 2026-02-02. Review status: criteria provided, single submitter. Criteria: Invitae Variant Classification Sherloc (09022015). Collection method: clinical testing. Allele origin: germline.

Genome-Nilou Lab
Classification: Benign for Autosomal recessive congenital ichthyosis 1. Last evaluated: 2021-07-22. Review status: criteria provided, single submitter. Criteria: ACMG Guidelines, 2015. Collection method: clinical testing. Allele origin: germline. Affected: no.

Illumina Laboratory Services, Illumina
Classification: Benign for Autosomal recessive congenital ichthyosis 1. Last evaluated: 2018-01-13. Review status: criteria provided, single submitter. Criteria: ICSL Variant Classification Criteria 13 December 2019. Collection method: clinical testing. Allele origin: germline.
Comment: This variant was observed in the ICSL laboratory as part of a predisposition screen in an ostensibly healthy population. It had not been previously curated by ICSL or reported in the Human Gene Mutation Database (HGMD: prior to June 1st, 2018), and was therefore a candidate for classification through an automated scoring system. Utilizing variant allele frequency, disease prevalence and penetrance estimates, and inheritance mode, an automated score was calculated to assess if this variant is too frequent to cause the disease. Based on the score and internal cut-off values, a variant classified as benign is not then subjected to further curation. The score for this variant resulted in a classification of benign for this disease.

Natera, Inc.
Classification: Uncertain significance for Autosomal recessive congenital ichthyosis type 1. Last evaluated: 2020-05-13. Review status: no assertion criteria provided. Collection method: clinical testing. Allele origin: germline. Not counted in ClinVar's aggregate classification.

NM_000359.3(TGM1):c.383A>G (p.Glu128Gly)

Gene: TGM1 (transglutaminase 1; minus strand). Cytogenetic location: 14q12.
Variant type: single nucleotide variant.
Coding change: c.383A>G on transcript NM_000359.3 (MANE Select); coding-DNA position 383, A replaced by G.
Protein change: p.Glu128Gly; replaces glutamic acid 128 with glycine.
Molecular consequence: missense variant.
Genome position (GRCh38, 1-based): chr14:24,261,820, T>C on the plus strand (A>G on the coding strand, the complement: TGM1 is on the minus strand). VCF-style: chr14-24261820-T-C. GRCh37 (hg19) VCF-style: chr14-24731026-T-C.
Other names: short protein forms E128G.
Identifiers: ClinVar variation 312987 (VCV000312987.20), dbSNP rs138592626, ClinGen allele CA7131433.